The following is an entry in ClinVar:

ClinVar aggregate classification (germline): Pathogenic (1 of 4 stars; one submission).

Conditions:
Beckwith-Wiedemann syndrome (BWS). Also called: EMG SYNDROME; Exomphalos macroglossia gigantism syndrome. Identifiers: Orphanet 116, MedGen C0004903, MONDO:0007534, OMIM 130650.

Submission:

Labcorp Genetics (formerly Invitae), Labcorp
Classification: Pathogenic for Beckwith-Wiedemann syndrome. Last evaluated: 2024-03-04. Review status: criteria provided, single submitter. Criteria: Invitae Variant Classification Sherloc (09022015). Collection method: clinical testing. Allele origin: germline.
Comment: This sequence change creates a premature translational stop signal (p.Glu93*) in the CDKN1C gene. It is expected to result in an absent or disrupted protein product. Loss-of-function variants in CDKN1C are known to be pathogenic (PMID: 20503313). This variant is not present in population databases (gnomAD no frequency). This variant has not been reported in the literature in individuals affected with CDKN1C-related conditions. ClinVar contains an entry for this variant (Variation ID: 1401271). For these reasons, this variant has been classified as Pathogenic.

Literature cited by the submitters: PubMed 20503313.

NM_001122630.2(CDKN1C):c.244G>T (p.Glu82Ter)

Gene: CDKN1C (cyclin dependent kinase inhibitor 1C; minus strand). Cytogenetic location: 11p15.4.
Variant type: single nucleotide variant.
Coding change: c.244G>T on transcript NM_001122630.2 (MANE Select); coding-DNA position 244, G replaced by T.
Protein change: p.Glu82Ter; replaces glutamic acid 82 with a stop codon.
Molecular consequence: nonsense.
Genome position (GRCh38, 1-based): chr11:2,885,213, C>A on the plus strand (G>T on the coding strand, the complement: CDKN1C is on the minus strand). VCF-style: chr11-2885213-C-A. GRCh37 (hg19) VCF-style: chr11-2906443-C-A.
Other names: c.277G>T, p.Glu93Ter (NM_000076.2, NM_001362474.2); c.244G>T, p.Glu82Ter (NM_001122631.2, NM_001362475.2); short protein forms E82*, E93*.
Identifiers: ClinVar variation 1401271 (VCV001401271.6), dbSNP rs2133785530, ClinGen allele CA379147115.